The following is an entry in ClinVar:

NM_004606.5(TAF1):c.5306A>G (p.Asn1769Ser)

Gene: TAF1 (TATA-box binding protein associated factor 1; plus strand). Cytogenetic location: Xq13.1.
Variant type: single nucleotide variant.
Coding change: c.5306A>G on transcript NM_004606.5 (MANE Select); coding-DNA position 5306, A replaced by G.
Protein change: p.Asn1769Ser; replaces asparagine 1769 with serine.
Molecular consequence: missense variant. On other transcripts: non-coding transcript variant (9).
Genome position (GRCh38, 1-based): chrX:71,460,710, A>G. VCF-style: chrX-71460710-A-G. GRCh37 (hg19) VCF-style: chrX-70680560-A-G.
Other names: c.5372A>G (NM_001286074.1); c.5312A>G, p.Asn1771Ser (NM_001286074.2); c.5243A>G, p.Asn1748Ser (NM_138923.4); short protein forms N1771S, N1748S, N1769S.
Identifiers: ClinVar variation 696012 (VCV000696012.10), dbSNP rs147517498, ClinGen allele CA10447378.
Genomic context (GRCh38, chrX:71,460,710, plus strand): 5'-GTGACTCTGATGTGGGATCTGGTGGAATAAGACCCAAACAACCCCGCATGCTTCAGGAGA[A>G]CACAAGGATGGACATGGAAAATGAAGAAAGCATGATGTCCTATGAGGGAGACGGTGGGGA-3'
Protein context (NP_004597.3, residues 1759-1779): RPKQPRMLQE[Asn1769Ser]TRMDMENEES

ClinVar aggregate classification (germline): Benign. Review status: criteria provided, single submitter (1 of 4 stars). 2 submissions from 2 submitters: Benign (1). 1 of the submissions does not count toward it. Last evaluated 2025-10-24.

Conditions:
TAF1-related disorder. Also called: TAF1-related condition.

Allele frequency attached by ClinVar (database versions not stated): ESP Exome Variant Server 0.00019; TOPMed 0.00021; 1000 Genomes Project 30x 0.00125; gnomAD exomes 0.00155 and 0.00355; 1000 Genomes Project 0.00159; gnomAD 0.00220 and 0.00227; ExAC 0.00370.
gnomAD v4.1: 1,958 of 1,208,743 alleles (0.16%); highest among the groups gnomAD compares: Non-Finnish European, 0.036%; 21 homozygotes.

Submissions (2):

Labcorp Genetics (formerly Invitae), Labcorp
Classification: Benign. Last evaluated: 2025-10-24. Review status: criteria provided, single submitter. Criteria: Invitae Variant Classification Sherloc (09022015). Collection method: clinical testing. Allele origin: germline.

PreventionGenetics, part of Exact Sciences
Classification: Benign for TAF1-related condition. Last evaluated: 2020-05-12. Review status: no assertion criteria provided. Collection method: clinical testing. Allele origin: germline. Not counted in ClinVar's aggregate classification.
Comment: This variant is classified as benign based on ACMG/AMP sequence variant interpretation guidelines (Richards et al. 2015 PMID: 25741868, with internal and published modifications).